The following is an entry in ClinVar:

ClinVar aggregate classification (germline): Uncertain significance (1 of 4 stars; one submission).

Submission:

GeneDx
Classification: Uncertain significance. Last evaluated: 2024-09-06. Review status: criteria provided, single submitter. Criteria: GeneDx Variant Classification Process June 2021. Collection method: clinical testing. Allele origin: germline. Affected: yes.
Comment: Not observed at significant frequency in large population cohorts (gnomAD); In silico analysis indicates that this missense variant does not alter protein structure/function; Has not been previously published as pathogenic or benign to our knowledge; This variant is associated with the following publications: (PMID: 18466115)

NM_000368.5(TSC1):c.2414A>G (p.Asn805Ser)

Gene: TSC1 (TSC complex subunit 1; minus strand). Cytogenetic location: 9q34.13.
Variant type: single nucleotide variant.
Coding change: c.2414A>G on transcript NM_000368.5 (MANE Select); coding-DNA position 2414, A replaced by G.
Protein change: p.Asn805Ser; replaces asparagine 805 with serine.
Molecular consequence: missense variant. On other transcripts: non-coding transcript variant (5).
Genome position (GRCh38, 1-based): chr9:132,901,677, T>C on the plus strand (A>G on the coding strand, the complement: TSC1 is on the minus strand). VCF-style: chr9-132901677-T-C. GRCh37 (hg19) VCF-style: chr9-135777064-T-C.
Other names: c.2411A>G, p.Asn804Ser (NM_001162426.2, NM_001406597.1, NM_001406598.1 and 4 more transcripts); c.2261A>G, p.Asn754Ser (NM_001162427.2, NM_001406610.1); c.2051A>G, p.Asn684Ser (NM_001362177.2, NM_001406614.1, NM_001406615.1 and 5 more transcripts); c.2414A>G, p.Asn805Ser (NM_001406592.1, NM_001406593.1, NM_001406594.1 and 5 more transcripts); c.2399A>G, p.Asn800Ser (NM_001406601.1, NM_001406602.1); c.2396A>G, p.Asn799Ser (NM_001406603.1, NM_001406604.1); c.2258A>G, p.Asn753Ser (NM_001406611.1, NM_001406612.1, NM_001406613.1); c.2048A>G, p.Asn683Ser (NM_001406620.1, NM_001406621.1, NM_001406622.1 and 2 more transcripts); and 3 more; short protein forms N454S, N487S, N488S, N683S, N684S, N753S, N754S, N799S.
Identifiers: ClinVar variation 3767452 (VCV003767452.1).